The following is an entry in ClinVar:

NM_172250.3(MMAA):c.940C>T (p.Arg314Cys)

Gene: MMAA (metabolism of cobalamin associated A; plus strand). Cytogenetic location: 4q31.21.
Variant type: single nucleotide variant.
Coding change: c.940C>T on transcript NM_172250.3 (MANE Select); coding-DNA position 940, C replaced by T.
Protein change: p.Arg314Cys; replaces arginine 314 with cysteine.
Molecular consequence: missense variant.
Genome position (GRCh38, 1-based): chr4:145,654,114, C>T. VCF-style: chr4-145654114-C-T. GRCh37 (hg19) VCF-style: chr4-146575266-C-T.
Other names: c.940C>T, p.Arg314Cys (NM_001375644.1); short protein forms R314C.
Identifiers: ClinVar variation 933455 (VCV000933455.11), dbSNP rs374795215, ClinGen allele CA3095310.

ClinVar aggregate classification (germline): Uncertain significance. Review status: criteria provided, multiple submitters, no conflicts (2 of 4 stars). 4 submissions from 4 submitters: Uncertain significance (3). 1 of the submissions does not count toward it. Last evaluated 2025-06-03.

Conditions:
Methylmalonic aciduria, cblA type (MACA). Also called: Methylmalonic aciduria, vitamin B12-responsive; Vitamin B12-responsive methylmalonic acidemia type cblA; Methylmalonic aciduria, vitamin b12-responsive, due to defect in synthesis of adenosylcobalamin, cbla complementation type; MMA cbl A type; Methylmalonic acidemia cblA type. Identifiers: Orphanet 28, Orphanet 79310, MedGen C1855109, MONDO:0009613, OMIM 251100.
Inborn genetic diseases. Identifiers: MedGen C0950123, MeSH D030342.

Allele frequency attached by ClinVar (database versions not stated): gnomAD 0.00006 and 0.00009; TOPMed 0.00006.

Submissions (4):

Ambry Genetics
Classification: Uncertain significance for Inborn genetic diseases. Last evaluated: 2025-06-03. Review status: criteria provided, single submitter. Criteria: Ambry Variant Classification Scheme 2023. Collection method: clinical testing. Allele origin: germline.

Labcorp Genetics (formerly Invitae), Labcorp
Classification: Uncertain significance for Methylmalonic aciduria, cblA type. Last evaluated: 2022-09-13. Review status: criteria provided, single submitter. Criteria: Invitae Variant Classification Sherloc (09022015). Collection method: clinical testing. Allele origin: germline.
Comment: This sequence change replaces arginine, which is basic and polar, with cysteine, which is neutral and slightly polar, at codon 314 of the MMAA protein (p.Arg314Cys). This variant is present in population databases (rs374795215, gnomAD 0.03%). This variant has not been reported in the literature in individuals affected with MMAA-related conditions. ClinVar contains an entry for this variant (Variation ID: 933455). Advanced modeling of protein sequence and biophysical properties (such as structural, functional, and spatial information, amino acid conservation, physicochemical variation, residue mobility, and thermodynamic stability) performed at Invitae indicates that this missense variant is expected to disrupt MMAA protein function. In summary, the available evidence is currently insufficient to determine the role of this variant in disease. Therefore, it has been classified as a Variant of Uncertain Significance.

Genome-Nilou Lab
Classification: Uncertain significance for Methylmalonic aciduria, cblA type. Last evaluated: 2021-07-14. Review status: criteria provided, single submitter. Criteria: ACMG Guidelines, 2015. Collection method: clinical testing. Allele origin: germline. Affected: no.

Natera, Inc.
Classification: Uncertain significance for Methylmalonic aciduria cblA type. Last evaluated: 2020-03-20. Review status: no assertion criteria provided. Collection method: clinical testing. Allele origin: germline. Not counted in ClinVar's aggregate classification.